The following is an entry in ClinVar:

NM_000455.5(STK11):c.322A>G (p.Lys108Glu)

Gene: STK11 (serine/threonine kinase 11; plus strand). Cytogenetic location: 19p13.3.
Variant type: single nucleotide variant.
Coding change: c.322A>G on transcript NM_000455.5 (MANE Select); coding-DNA position 322, A replaced by G.
Protein change: p.Lys108Glu; replaces lysine 108 with glutamic acid.
Molecular consequence: missense variant. On other transcripts: non-coding transcript variant (1).
Genome position (GRCh38, 1-based): chr19:1,218,448, A>G. VCF-style: chr19-1218448-A-G. GRCh37 (hg19) VCF-style: chr19-1218447-A-G.
Other names: c.322A>G, p.Lys108Glu (NM_001407255.1); short protein forms K108E.
Identifiers: ClinVar variation 4747126 (VCV004747126.1).

ClinVar aggregate classification (germline): Uncertain significance (1 of 4 stars; one submission).

Conditions:
Peutz-Jeghers syndrome (PJS). Also called: POLYPOSIS, HAMARTOMATOUS INTESTINAL; POLYPS-AND-SPOTS SYNDROME; Peutz-Jeghers polyposis; Periorificial lentiginosis syndrome. Identifiers: Orphanet 2869, MedGen C0031269, MeSH D010580, MONDO:0008280, OMIM 175200.

Submission:

Labcorp Genetics (formerly Invitae), Labcorp
Classification: Uncertain significance for Peutz-Jeghers syndrome. Last evaluated: 2025-07-16. Review status: criteria provided, single submitter. Criteria: Invitae Variant Classification Sherloc (09022015). Collection method: clinical testing. Allele origin: germline.
Comment: This sequence change replaces lysine, which is basic and polar, with glutamic acid, which is acidic and polar, at codon 108 of the STK11 protein (p.Lys108Glu). This variant is not present in population databases (gnomAD no frequency). This variant has not been reported in the literature in individuals affected with STK11-related conditions. Invitae Evidence Modeling of protein sequence and biophysical properties (such as structural, functional, and spatial information, amino acid conservation, physicochemical variation, residue mobility, and thermodynamic stability) indicates that this missense variant is not expected to disrupt STK11 protein function with a negative predictive value of 95%. In summary, the available evidence is currently insufficient to determine the role of this variant in disease. Therefore, it has been classified as a Variant of Uncertain Significance.